The following is an entry in ClinVar:

ClinVar aggregate classification (germline): Uncertain significance. Review status: criteria provided, multiple submitters, no conflicts (2 of 4 stars). 4 submissions from 4 submitters: Uncertain significance (4). Last evaluated 2026-04-22.

Conditions:
Polycystic kidney disease, adult type (PKD1). Also called: POLYCYSTIC KIDNEY DISEASE, ADULT, TYPE I; Polycystic Kidney Disease 1, Autosomal Dominant; Polycystic kidney disease 1; Polycystic kidney disease 1, severe; Polycystic Kidney, Autosomal Dominant; POLYCYSTIC KIDNEY DISEASE 1 WITH OR WITHOUT POLYCYSTIC LIVER DISEASE. Identifiers: MedGen C3149841, MONDO:0008263, OMIM 173900.
Inborn genetic diseases. Identifiers: MedGen C0950123, MeSH D030342.
PKD1-related disorder. Also called: PKD1-related condition.

gnomAD v4.1: 29 of 1,587,802 alleles (0.0018%); highest among the groups gnomAD compares: Middle Eastern, 0.017%; no homozygotes.

Submissions (4):

PreventionGenetics, part of Exact Sciences
Classification: Uncertain significance for PKD1-related condition. Last evaluated: 2026-04-22. Review status: criteria provided, single submitter. Criteria: ACMG Guidelines, 2015. Collection method: clinical testing. Allele origin: germline.
Comment: The PKD1 c.10636C>T variant is predicted to result in the amino acid substitution p.Arg3546Trp. To our knowledge, this variant has not been reported in the literature. This variant is reported in 0.0037% of alleles in individuals of South Asian descent in gnomAD. At this time, the clinical significance of this variant is uncertain due to the absence of conclusive functional and genetic evidence.

Ambry Genetics
Classification: Uncertain significance for Inborn genetic diseases. Last evaluated: 2025-02-21. Review status: criteria provided, single submitter. Criteria: Ambry Variant Classification Scheme 2023. Collection method: clinical testing. Allele origin: germline.

GeneDx
Classification: Uncertain significance. Last evaluated: 2025-02-07. Review status: criteria provided, single submitter. Criteria: GeneDx Variant Classification Process June 2021. Collection method: clinical testing. Allele origin: germline.
Comment: Not observed at significant frequency in large population cohorts (gnomAD); In silico analysis supports that this missense variant has a deleterious effect on protein structure/function; Has not been previously published as pathogenic or benign to our knowledge

Fulgent Genetics
Classification: Uncertain significance for Polycystic kidney disease, adult type. Last evaluated: 2024-06-14. Review status: criteria provided, single submitter. Criteria: ACMG Guidelines, 2015. Collection method: clinical testing. Allele origin: germline.

NM_001009944.3(PKD1):c.10636C>T (p.Arg3546Trp)

Genes: PKD1 (polycystin 1, transient receptor potential channel interacting; minus strand), PKD1-AS1 (PKD1 antisense RNA 1; plus strand). Cytogenetic location: 16p13.3.
Variant type: single nucleotide variant.
Coding change: c.10636C>T on transcript NM_001009944.3 (MANE Select); coding-DNA position 10636, C replaced by T.
Protein change: p.Arg3546Trp; replaces arginine 3546 with tryptophan.
Molecular consequence: missense variant.
Genome position (GRCh38, 1-based): chr16:2,093,996, G>A on the plus strand (C>T on the coding strand, the complement: PKD1 is on the minus strand). VCF-style: chr16-2093996-G-A. GRCh37 (hg19) VCF-style: chr16-2143997-G-A.
Other names: c.10633C>T (NM_000296.3); c.10633C>T, p.Arg3545Trp (NM_000296.4); short protein forms R3545W, R3546W.
Identifiers: ClinVar variation 3368367 (VCV003368367.5).
Genomic context (GRCh38, chr16:2,093,996, plus strand): 5'-CCAGGAGCAGGCTGAGCCCGTGGGCCAGGGAGGCACACCAGGCCGGCAGCAGGCGCTTCC[G>A]CAGACCCTCCACCAGTCCTGGGGAAGCAGAGACAGACCTGTGAGAGGCAGCTCACAGGGA-3'
Protein context (NP_001009944.3, residues 3536-3556): LSRTGLVEGL[Arg3546Trp]KRLLPAWCAS